The following is an entry in ClinVar:

NM_015443.4(KANSL1):c.2994C>T (p.His998=)

Gene: KANSL1 (KAT8 regulatory NSL complex subunit 1). Cytogenetic location: 17q21.31.
Variant type: single nucleotide variant.
Coding change: c.2994C>T on transcript NM_015443.4 (MANE Select); coding-DNA position 2994, C replaced by T.
Protein change: p.His998=; no amino-acid change (histidine 998 retained).
Molecular consequence: synonymous variant.
Genome position (GRCh38, 1-based): chr17:46,032,143, G>A on the plus strand (C>T on the coding strand, the complement: KANSL1 is on the minus strand). VCF-style: chr17-46032143-G-A. GRCh37 (hg19) VCF-style: chr17-44109509-G-A.
Other names: c.2991C>T, p.His997= (NM_001193465.2); c.2994C>T, p.His998= (NM_001193466.2, NM_001379198.1).
Identifiers: ClinVar variation 514589 (VCV000514589.1), dbSNP rs1555730816, ClinGen allele CA500371983.

ClinVar aggregate classification (germline): Likely benign (1 of 4 stars; one submission).

Allele frequency attached by ClinVar (database versions not stated): TOPMed below 0.00001.

Submission:

GeneDx
Classification: Likely benign. Last evaluated: 2018-01-22. Review status: criteria provided, single submitter. Criteria: GeneDx Variant Classification (06012015). Collection method: clinical testing. Allele origin: germline. Affected: yes.
Comment: This variant is considered likely benign or benign based on one or more of the following criteria: it is a conservative change, it occurs at a poorly conserved position in the protein, it is predicted to be benign by multiple in silico algorithms, and/or has population frequency not consistent with disease.